The following is an entry in ClinVar:

ClinVar aggregate classification (germline): Uncertain significance (1 of 4 stars; one submission).

Submission:

Labcorp Genetics (formerly Invitae), Labcorp
Classification: Uncertain significance. Last evaluated: 2023-10-23. Review status: criteria provided, single submitter. Criteria: Invitae Variant Classification Sherloc (09022015). Collection method: clinical testing. Allele origin: germline.
Comment: This sequence change replaces glycine, which is neutral and non-polar, with aspartic acid, which is acidic and polar, at codon 457 of the COL11A1 protein (p.Gly457Asp). This variant is not present in population databases (gnomAD no frequency). This variant has not been reported in the literature in individuals affected with COL11A1-related conditions. Advanced modeling of protein sequence and biophysical properties (such as structural, functional, and spatial information, amino acid conservation, physicochemical variation, residue mobility, and thermodynamic stability) has been performed at Invitae for this missense variant, however the output from this modeling did not meet the statistical confidence thresholds required to predict the impact of this variant on COL11A1 protein function. In summary, the available evidence is currently insufficient to determine the role of this variant in disease. Therefore, it has been classified as a Variant of Uncertain Significance.

NM_001854.4(COL11A1):c.1370G>A (p.Gly457Asp)

Gene: COL11A1 (collagen type XI alpha 1 chain; minus strand). Cytogenetic location: 1p21.1.
Variant type: single nucleotide variant.
Coding change: c.1370G>A on transcript NM_001854.4 (MANE Select); coding-DNA position 1370, G replaced by A.
Protein change: p.Gly457Asp; replaces glycine 457 with aspartic acid.
Molecular consequence: missense variant. On other transcripts: non-coding transcript variant (1).
Genome position (GRCh38, 1-based): chr1:103,017,863, C>T on the plus strand (G>A on the coding strand, the complement: COL11A1 is on the minus strand). VCF-style: chr1-103017863-C-T. GRCh37 (hg19) VCF-style: chr1-103483419-C-T.
Other names: c.1022G>A, p.Gly341Asp (NM_001168249.1, NM_080630.4); c.1253G>A, p.Gly418Asp (NM_001190709.2); c.1406G>A, p.Gly469Asp (NM_080629.3); short protein forms G469D, G418D, G457D, G341D.
Identifiers: ClinVar variation 2771444 (VCV002771444.3), dbSNP rs746336238, ClinGen allele CA27742970.